The following is an entry in ClinVar:

ClinVar aggregate classification (germline): Uncertain significance (1 of 4 stars; one submission).

Submission:

Labcorp Genetics (formerly Invitae), Labcorp
Classification: Uncertain significance. Last evaluated: 2024-05-22. Review status: criteria provided, single submitter. Criteria: Invitae Variant Classification Sherloc (09022015). Collection method: clinical testing. Allele origin: germline.
Comment: This sequence change replaces glutamine, which is neutral and polar, with arginine, which is basic and polar, at codon 662 of the CTNNA1 protein (p.Gln662Arg). This variant is not present in population databases (gnomAD no frequency). This variant has not been reported in the literature in individuals affected with CTNNA1-related conditions. ClinVar contains an entry for this variant (Variation ID: 2078510). An algorithm developed to predict the effect of missense changes on protein structure and function (PolyPhen-2) suggests that this variant is likely to be tolerated. In summary, the available evidence is currently insufficient to determine the role of this variant in disease. Therefore, it has been classified as a Variant of Uncertain Significance.

NM_001903.5(CTNNA1):c.1985A>G (p.Gln662Arg)

Gene: CTNNA1 (catenin alpha 1; plus strand). Cytogenetic location: 5q31.2.
Variant type: single nucleotide variant.
Coding change: c.1985A>G on transcript NM_001903.5 (MANE Select); coding-DNA position 1985, A replaced by G.
Protein change: p.Gln662Arg; replaces glutamine 662 with arginine.
Molecular consequence: missense variant.
Genome position (GRCh38, 1-based): chr5:138,929,331, A>G. VCF-style: chr5-138929331-A-G. GRCh37 (hg19) VCF-style: chr5-138265020-A-G.
Other names: c.1985A>G, p.Gln662Arg (NM_001290307.3, NM_001323982.2, NM_001323983.1 and 2 more transcripts); c.1676A>G, p.Gln559Arg (NM_001290309.3); c.1616A>G, p.Gln539Arg (NM_001290310.3); c.875A>G, p.Gln292Arg (NM_001290312.1, NM_001323987.1, NM_001323988.1 and 17 more transcripts); c.1892A>G, p.Gln631Arg (NM_001323986.2); c.536A>G, p.Gln179Arg (NM_001324006.1, NM_001324007.1, NM_001324008.1 and 2 more transcripts); c.782A>G, p.Gln261Arg (NM_001324011.1); c.632A>G, p.Gln211Arg (NM_001324012.1, NM_001324013.1); short protein forms Q261R, Q631R, Q662R, Q292R, Q211R, Q539R, Q559R, Q179R.
Identifiers: ClinVar variation 2078510 (VCV002078510.4), dbSNP rs2533821894, ClinGen allele CA361132878.